The following is an entry in ClinVar:

NM_000254.3(MTR):c.3571A>T (p.Arg1191Ter)

Gene: MTR (5-methyltetrahydrofolate-homocysteine methyltransferase; plus strand). Cytogenetic location: 1q43.
Variant type: single nucleotide variant.
Coding change: c.3571A>T on transcript NM_000254.3 (MANE Select); coding-DNA position 3571, A replaced by T.
Protein change: p.Arg1191Ter; replaces arginine 1191 with a stop codon.
Molecular consequence: nonsense.
Genome position (GRCh38, 1-based): chr1:236,895,523, A>T. VCF-style: chr1-236895523-A-T. GRCh37 (hg19) VCF-style: chr1-237058823-A-T.
Other names: c.3418A>T, p.Arg1140Ter (NM_001291939.1); c.2350A>T, p.Arg784Ter (NM_001291940.2); c.3382A>T, p.Arg1128Ter (NM_001410942.1); short protein forms R784*, R1191*, R1128*, R1140*.
Identifiers: ClinVar variation 2825528 (VCV002825528.3), dbSNP rs763288919, ClinGen allele CA1474731.

ClinVar aggregate classification (germline): Pathogenic (1 of 4 stars; one submission).

Conditions:
Methylcobalamin deficiency type cblG (HMAG). Also called: HOMOCYSTINURIA-MEGALOBLASTIC ANEMIA, cblG TYPE; HOMOCYSTINURIA-MEGALOBLASTIC ANEMIA DUE TO DEFECT IN COBALAMIN METABOLISM, cblG COMPLEMENTATION TYPE; HOMOCYSTINURIA-MEGALOBLASTIC ANEMIA, cblG COMPLEMENTATION TYPE; Functional methionine synthase deficiency type cblG. Identifiers: Orphanet 2170, Orphanet 622, MedGen C1855128, MONDO:0009609, OMIM 250940.

Allele frequency attached by ClinVar (database versions not stated): ExAC 0.00002.

Submission:

Labcorp Genetics (formerly Invitae), Labcorp
Classification: Pathogenic for Methylcobalamin deficiency type cblG. Last evaluated: 2022-12-31. Review status: criteria provided, single submitter. Criteria: Invitae Variant Classification Sherloc (09022015). Collection method: clinical testing. Allele origin: germline.
Comment: For these reasons, this variant has been classified as Pathogenic. This variant has not been reported in the literature in individuals affected with MTR-related conditions. The frequency data for this variant in the population databases is considered unreliable, as metrics indicate poor data quality at this position in the gnomAD database. This sequence change creates a premature translational stop signal (p.Arg1191*) in the MTR gene. It is expected to result in an absent or disrupted protein product. Loss-of-function variants in MTR are known to be pathogenic (PMID: 9683607, 12068375).

Literature cited by the submitters: PubMed 9683607; PubMed 12068375.